The following is an entry in ClinVar:

ClinVar aggregate classification (germline): Uncertain significance (1 of 4 stars; one submission).

Allele frequency attached by ClinVar (database versions not stated): TOPMed 0.00001.

Submission:

Ambry Genetics
Classification: Uncertain significance. Last evaluated: 2025-11-12. Review status: criteria provided, single submitter. Criteria: Ambry Variant Classification Scheme 2023. Collection method: clinical testing. Allele origin: germline.
Comment: The p.L404W variant (also known as c.1211T>G), located in coding exon 6 of the GALNT12 gene, results from a T to G substitution at nucleotide position 1211. The leucine at codon 404 is replaced by tryptophan, an amino acid with similar properties. This amino acid position is conserved. In addition, this alteration is predicted to be tolerated by in silico analysis. Since supporting evidence is limited at this time, the clinical significance of this alteration remains unclear.

NM_024642.5(GALNT12):c.1211T>G (p.Leu404Trp)

Gene: GALNT12 (polypeptide N-acetylgalactosaminyltransferase 12; plus strand). Cytogenetic location: 9q22.33.
Variant type: single nucleotide variant.
Coding change: c.1211T>G on transcript NM_024642.5 (MANE Select); coding-DNA position 1211, T replaced by G.
Protein change: p.Leu404Trp; replaces leucine 404 with tryptophan.
Molecular consequence: missense variant.
Genome position (GRCh38, 1-based): chr9:98,837,147, T>G. VCF-style: chr9-98837147-T-G. GRCh37 (hg19) VCF-style: chr9-101599429-T-G.
Other names: short protein forms L404W.
Identifiers: ClinVar variation 2566270 (VCV002566270.3), dbSNP rs1836175120, ClinGen allele CA374220116.